The following is an entry in ClinVar:

NM_020632.3(ATP6V0A4):c.414_417+10del

Gene: ATP6V0A4 (ATPase H+ transporting V0 subunit a4; minus strand). Cytogenetic location: 7q34.
Variant type: Deletion.
Coding change: c.414_417+10del on transcript NM_020632.3 (MANE Select); coding-DNA position 414 through 10 bases into the intron after coding-DNA position 417, 14 bases deleted (TGAGGTGGTCACGT).
Molecular consequence: splice donor variant.
Genome position (GRCh38, 1-based): chr7:138,762,890-138,762,903, ACGTGACCACCTCA deleted on the plus strand (TGAGGTGGTCACGT on the coding strand, the reverse complement: ATP6V0A4 is on the minus strand); deleting any 14 consecutive bases within chr7:138,762,890-138,762,904 gives the same sequence; the c. name uses the placement nearest the transcript's 3' end. VCF-style (leftmost placement, unchanged base first): chr7-138762889-CACGTGACCACCTCA-C. GRCh37 (hg19) VCF-style: chr7-138447634-CACGTGACCACCTCA-C.
Other names: c.414_417+10del (NM_130840.3, NM_130841.3).
Identifiers: ClinVar variation 4709544 (VCV004709544.1).

ClinVar aggregate classification (germline): Likely pathogenic (1 of 4 stars; one submission).

Submission:

Labcorp Genetics (formerly Invitae), Labcorp
Classification: Likely pathogenic. Last evaluated: 2025-06-23. Review status: criteria provided, single submitter. Criteria: Invitae Variant Classification Sherloc (09022015). Collection method: clinical testing. Allele origin: germline.
Comment: This variant results in the deletion of part of exon 6 (c.414_417+10del) of the ATP6V0A4 gene. It is expected to disrupt RNA splicing. Variants that disrupt the donor or acceptor splice site typically lead to a loss of protein function (PMID: 16199547), and loss-of-function variants in ATP6V0A4 are known to be pathogenic (PMID: 12414817, 16611712). This variant is not present in population databases (gnomAD no frequency). This variant has been observed in individual(s) with renal tubular acidosis (PMID: 19364879). In summary, the currently available evidence indicates that the variant is pathogenic, but additional data are needed to prove that conclusively. Therefore, this variant has been classified as Likely Pathogenic.

Literature cited by the submitters: PubMed 16199547; PubMed 12414817; PubMed 16611712; PubMed 19364879.